The following is an entry in ClinVar:

ClinVar aggregate classification (germline): Pathogenic/Likely pathogenic. Review status: criteria provided, multiple submitters, no conflicts (2 of 4 stars). 3 submissions from 3 submitters: Pathogenic (2); Likely pathogenic (1). Last evaluated 2024-11-03.

Conditions:
Hereditary cancer-predisposing syndrome. Also called: Neoplastic Syndromes, Hereditary; Tumor predisposition; Hereditary Cancer Syndrome; Hereditary neoplastic syndrome. Identifiers: Orphanet 140162, MedGen C0027672, MeSH D009386, MONDO:0015356.
Ataxia-telangiectasia syndrome (AT). Also called: Ataxia telangiectasia (A-T); ATAXIA-TELANGIECTASIA, COMPLEMENTATION GROUP A; ATAXIA-TELANGIECTASIA, FRESNO VARIANT; Ataxia-telangiectasia; Ataxia-telangiectasia, complementation group E; LOUIS-BAR SYNDROME. Identifiers: Orphanet 100, MedGen C0004135, MONDO:0008840, OMIM 208900.

Submissions (3):

Labcorp Genetics (formerly Invitae), Labcorp
Classification: Pathogenic for Ataxia-telangiectasia syndrome. Last evaluated: 2024-11-03. Review status: criteria provided, single submitter. Criteria: Invitae Variant Classification Sherloc (09022015). Collection method: clinical testing. Allele origin: germline.
Comment: This sequence change creates a premature translational stop signal (p.Arg2790Aspfs*16) in the ATM gene. It is expected to result in an absent or disrupted protein product. Loss-of-function variants in ATM are known to be pathogenic (PMID: 23807571, 25614872). This variant is not present in population databases (gnomAD no frequency). This premature translational stop signal has been observed in individual(s) with ataxia-telangiectasia (PMID: 12655570). ClinVar contains an entry for this variant (Variation ID: 1065565). Algorithms developed to predict the effect of sequence changes on RNA splicing suggest that this variant may disrupt the consensus splice site. For these reasons, this variant has been classified as Pathogenic.

Color Diagnostics, LLC DBA Color Health
Classification: Pathogenic for Hereditary cancer-predisposing syndrome. Last evaluated: 2023-05-17. Review status: criteria provided, single submitter. Criteria: ACMG Guidelines, 2015. Collection method: clinical testing. Allele origin: germline.
Comment: This variant deletes 1 nucleotide in exon 57 of the ATM gene, creating a frameshift and premature translation stop signal. This variant is expected to result in an absent or non-functional protein product. This variant has been reported in the compound heterozygous state in individuals affected with ataxia-telangiectasia (PMID: 12655570, 23454770, 29081736) and in an individual affected with bilateral breast cancer (PMID: 34299313). This variant has not been identified in the general population by the Genome Aggregation Database (gnomAD). Loss of ATM function is a known mechanism of disease. Based on the available evidence, this variant is classified as Pathogenic.

NxGen MDx
Classification: Likely pathogenic for Ataxia-telangiectasia syndrome. Last evaluated: 2020-07-31. Review status: criteria provided, single submitter. Criteria: ACMG Guidelines, 2015. Collection method: clinical testing. Allele origin: unknown.
Comment: This null variant (c.8368del) in ATM is predicted to result in frameshift and premature peptide translation termination, destroying the PI3K domain, or nonsense mediated decay (p.Arg2790AspfsTer16) (PVS1). It is not found in gnomAD exomes (PM2) and has been reported by Saviozzi et al. PMID: 12655570 in a patient with classical Ataxia-telangiectasia. We interpret c.8368del to be likely pathogenic.

Literature cited by the submitters: PubMed 23807571 (cited by Labcorp Genetics (formerly Invitae), Labcorp); PubMed 25614872 (cited by Labcorp Genetics (formerly Invitae), Labcorp); PubMed 12655570 (cited by 3 submitters); PubMed 23454770 (cited by Color Diagnostics, LLC DBA Color Health); PubMed 29081736 (cited by Color Diagnostics, LLC DBA Color Health); PubMed 34299313 (cited by Color Diagnostics, LLC DBA Color Health).

NM_000051.4(ATM):c.8368del (p.Arg2790fs)

Genes: ATM (ATM serine/threonine kinase; plus strand), C11orf65 (chromosome 11 open reading frame 65; minus strand). Cytogenetic location: 11q22.3.
Variant type: Deletion.
Coding change: c.8368del on transcript NM_000051.4 (MANE Select); coding-DNA position 8368, one base deleted (A; older notation c.8368delA).
Protein change: p.Arg2790fs; shifts the reading frame from arginine 2790.
Molecular consequence: frameshift variant. On other transcripts: intron variant (2).
Genome position (GRCh38, 1-based): chr11:108,343,321, A deleted; the last of 4 consecutive A bases (chr11:108,343,318-108,343,321); deleting any one gives the same sequence. VCF-style (leftmost placement, unchanged base first): chr11-108343317-TA-T. GRCh37 (hg19) VCF-style: chr11-108214044-TA-T.
Other names: c.8368del, p.Arg2790fs (NM_001351834.2); c.641-34247del (NM_001330368.2); c.695-8026del (NM_001351110.2); short protein forms R2790fs.
Identifiers: ClinVar variation 1065565 (VCV001065565.6), dbSNP rs2136948975, ClinGen allele CA2499220726.
Genomic context (GRCh38, chr11:108,343,317, plus strand): 5'-ATGGTGCACAGGAACTGTCCCCATTGGTGAATTTCTTGTTAACAATGAAGATGGTGCTCA[TA>T]AAAGATACAGGCCAAATGATTTCAGTGCCTTTCAGTGCCAAAAGAAAATGATGGTGAGTG-3'